The following is an entry in ClinVar:

ClinVar aggregate classification (germline): Uncertain significance (1 of 4 stars; one submission).

Allele frequency attached by ClinVar (database versions not stated): gnomAD exomes below 0.00001; gnomAD 0.00001; TOPMed 0.00001.
gnomAD v4.1: 2 of 1,611,954 alleles (0.00012%); highest among the groups gnomAD compares: Non-Finnish European, 0.00017%; no homozygotes.

Submission:

GeneDx
Classification: Uncertain significance. Last evaluated: 2022-10-13. Review status: criteria provided, single submitter. Criteria: GeneDx Variant Classification Process June 2021. Collection method: clinical testing. Allele origin: germline. Affected: yes.
Comment: Not observed at significant frequency in large population cohorts (gnomAD); In silico analysis supports that this missense variant has a deleterious effect on protein structure/function; Has not been previously published as pathogenic or benign to our knowledge

NM_001077350.3(NPRL3):c.443G>A (p.Arg148His)

Genes: HBA-LCR (alpha-globin locus control region; plus strand), NPRL3 (NPR3 like, GATOR1 complex subunit; minus strand). Cytogenetic location: 16p13.3.
Variant type: single nucleotide variant.
Coding change: c.443G>A on transcript NM_001077350.3 (MANE Select); coding-DNA position 443, G replaced by A.
Protein change: p.Arg148His; replaces arginine 148 with histidine.
Molecular consequence: missense variant. On other transcripts: 5 prime UTR variant (1).
Genome position (GRCh38, 1-based): chr16:112,726, C>T on the plus strand (G>A on the coding strand, the complement: NPRL3 is on the minus strand). VCF-style: chr16-112726-C-T. GRCh37 (hg19) VCF-style: chr16-162725-C-T.
Other names: c.-95G>A (NM_001039476.3); c.209G>A, p.Arg70His (NM_001243247.2); c.368G>A, p.Arg123His (NM_001243248.2, NM_001243249.2); short protein forms R123H, R148H, R70H.
Identifiers: ClinVar variation 2499191 (VCV002499191.1), dbSNP rs1470708324, ClinGen allele CA393993985.